The following is an entry in ClinVar:

NM_001378183.1(PIEZO2):c.3562G>T (p.Ala1188Ser)

Gene: PIEZO2 (piezo type mechanosensitive ion channel component 2; minus strand). Cytogenetic location: 18p11.22.
Variant type: single nucleotide variant.
Coding change: c.3562G>T on transcript NM_001378183.1 (MANE Select); coding-DNA position 3562, G replaced by T.
Protein change: p.Ala1188Ser; replaces alanine 1188 with serine.
Molecular consequence: missense variant.
Genome position (GRCh38, 1-based): chr18:10,759,798, C>A on the plus strand (G>T on the coding strand, the complement: PIEZO2 is on the minus strand). VCF-style: chr18-10759798-C-A. GRCh37 (hg19) VCF-style: chr18-10759796-C-A.
Other names: c.3562G>T, p.Ala1188Ser (NM_001410871.1); c.3487G>T, p.Ala1163Ser (NM_022068.4); c.3487G>T (NM_022068.3); short protein forms A1163S, A1188S.
Identifiers: ClinVar variation 3236108 (VCV003236108.2), dbSNP rs1032376682, ClinGen allele CA401922335.

ClinVar aggregate classification (germline): Uncertain significance. Review status: criteria provided, multiple submitters, no conflicts (2 of 4 stars). 2 submissions from 2 submitters: Uncertain significance (2). Last evaluated 2024-10-14.

Conditions:
PIEZO2-related disorder. Also called: PIEZO2-related disorders; PIEZO2-related condition.
Arthrogryposis- oculomotor limitation-electroretinal anomalies syndrome. Also called: ARTHROGRYPOSIS, DISTAL, TYPE 5; ARTHROGRYPOSIS WITH OCULOMOTOR LIMITATION AND ELECTRORETINAL ABNORMALITIES; ARTHROGRYPOSIS, DISTAL, TYPE IIB. Identifiers: Orphanet 1154, MedGen C1862472, MONDO:0007158, OMIM 108145.

gnomAD v4.1: 2 of 1,537,198 alleles (0.00013%); highest among the groups gnomAD compares: South Asian, 0.0012%; no homozygotes.

Submissions (2):

PreventionGenetics, part of Exact Sciences
Classification: Uncertain significance for PIEZO2-related condition. Last evaluated: 2024-10-14. Review status: criteria provided, single submitter. Criteria: ACMG Guidelines, 2015. Collection method: clinical testing. Allele origin: germline.
Comment: The PIEZO2 c.3487G>T variant is predicted to result in the amino acid substitution p.Ala1163Ser. To our knowledge, this variant has not been reported in the literature or in a large population database (gnomAD), indicating this variant is rare. At this time, the clinical significance of this variant is uncertain due to the absence of conclusive functional and genetic evidence.

MVZ Medizinische Genetik Mainz
Classification: Uncertain significance for Arthrogryposis- oculomotor limitation-electroretinal anomalies syndrome. Last evaluated: 2023-08-17. Review status: criteria provided, single submitter. Criteria: UK Practice Guidelines For Variant Classification V4 01 2020. Collection method: clinical testing. Allele origin: germline. Inheritance: Autosomal dominant inheritance. Affected: yes. Observed: 1 variant allele.
Comment: ACMG Criteria: PS2_MOD,PM2_SUP,PP2